The following is an entry in ClinVar:

ClinVar aggregate classification (germline): Uncertain significance (1 of 4 stars; one submission).

Submission:

Labcorp Genetics (formerly Invitae), Labcorp
Classification: Uncertain significance. Last evaluated: 2024-06-09. Review status: criteria provided, single submitter. Criteria: Invitae Variant Classification Sherloc (09022015). Collection method: clinical testing. Allele origin: germline.
Comment: This sequence change replaces threonine, which is neutral and polar, with lysine, which is basic and polar, at codon 1643 of the SCN3A protein (p.Thr1643Lys). This variant is not present in population databases (gnomAD no frequency). This variant has not been reported in the literature in individuals affected with SCN3A-related conditions. Advanced modeling of protein sequence and biophysical properties (such as structural, functional, and spatial information, amino acid conservation, physicochemical variation, residue mobility, and thermodynamic stability) has been performed at Invitae for this missense variant, however the output from this modeling did not meet the statistical confidence thresholds required to predict the impact of this variant on SCN3A protein function. In summary, the available evidence is currently insufficient to determine the role of this variant in disease. Therefore, it has been classified as a Variant of Uncertain Significance.

NM_006922.4(SCN3A):c.4928C>A (p.Thr1643Lys)

Gene: SCN3A (sodium voltage-gated channel alpha subunit 3; minus strand). Cytogenetic location: 2q24.3.
Variant type: single nucleotide variant.
Coding change: c.4928C>A on transcript NM_006922.4 (MANE Select); coding-DNA position 4928, C replaced by A.
Protein change: p.Thr1643Lys; replaces threonine 1643 with lysine.
Molecular consequence: missense variant.
Genome position (GRCh38, 1-based): chr2:165,091,225, G>T on the plus strand (C>A on the coding strand, the complement: SCN3A is on the minus strand). VCF-style: chr2-165091225-G-T. GRCh37 (hg19) VCF-style: chr2-165947735-G-T.
Other names: c.4781C>A, p.Thr1594Lys (NM_001081676.2, NM_001081677.2); short protein forms T1594K, T1643K.
Identifiers: ClinVar variation 3649325 (VCV003649325.2).